The following is an entry in ClinVar:

NM_000448.3(RAG1):c.803A>G (p.Asn268Ser)

Gene: RAG1 (recombination activating 1; plus strand). Cytogenetic location: 11p12.
Variant type: single nucleotide variant.
Coding change: c.803A>G on transcript NM_000448.3 (MANE Select); coding-DNA position 803, A replaced by G.
Protein change: p.Asn268Ser; replaces asparagine 268 with serine.
Molecular consequence: missense variant.
Genome position (GRCh38, 1-based): chr11:36,574,107, A>G. VCF-style: chr11-36574107-A-G. GRCh37 (hg19) VCF-style: chr11-36595657-A-G.
Other names: c.803A>G, p.Asn268Ser (NM_001377277.1, NM_001377278.1, NM_001377279.1 and 1 more transcripts); short protein forms N268S.
Identifiers: ClinVar variation 1513605 (VCV001513605.4), dbSNP rs372245240, ClinGen allele CA5950058.
Genomic context (GRCh38, chr11:36,574,107, plus strand): 5'-AGCACAAGAGAAGAGCTCAGGCAAGGATCAGCAGCAAGGATGTCATGAAGAAGATCGCCA[A>G]CTGCAGTAAGATACATCTTAGTACCAAGCTCCTTGCAGTGGACTTCCCAGAGCACTTTGT-3'
Protein context (NP_000439.2, residues 258-278): SSKDVMKKIA[Asn268Ser]CSKIHLSTKL

ClinVar aggregate classification (germline): Uncertain significance. Review status: criteria provided, multiple submitters, no conflicts (2 of 4 stars). 2 submissions from 2 submitters: Uncertain significance (2). Last evaluated 2021-11-04.

Conditions:
Combined immunodeficiency with skin granulomas. Identifiers: Orphanet 157949, MedGen C2673536, MONDO:0009306, OMIM 233650.
Severe combined immunodeficiency, autosomal recessive, T cell-negative, B cell-negative, NK cell-positive. Also called: SCID, AR, T-cell negative, B-cell negative, NK cell-positive; SCID, T CELL-NEGATIVE, B CELL-NEGATIVE, NK CELL-POSITIVE; Severe combined immunodeficiency due to complete RAG1/2 deficiency. Identifiers: Orphanet 331206, MedGen C1832322, MONDO:0011086, OMIM 601457.

Allele frequency attached by ClinVar (database versions not stated): gnomAD 0.00001; gnomAD exomes 0.00001 and 0.00002; ExAC 0.00003; ESP Exome Variant Server 0.00015.
gnomAD v4.1: 18 of 1,614,112 alleles (0.0011%); highest among the groups gnomAD compares: South Asian, 0.0022%; no homozygotes.

Submissions (2):

Labcorp Genetics (formerly Invitae), Labcorp
Classification: Uncertain significance for Combined immunodeficiency with skin granulomas; Severe combined immunodeficiency, autosomal recessive, T cell-negative, B cell-negative, NK cell-positive. Last evaluated: 2021-11-04. Review status: criteria provided, single submitter. Criteria: Invitae Variant Classification Sherloc (09022015). Collection method: clinical testing. Allele origin: germline.
Comment: This sequence change replaces asparagine, which is neutral and polar, with serine, which is neutral and polar, at codon 268 of the RAG1 protein (p.Asn268Ser). This variant is present in population databases (rs372245240, gnomAD 0.004%). This variant has not been reported in the literature in individuals affected with RAG1-related conditions. Advanced modeling of protein sequence and biophysical properties (such as structural, functional, and spatial information, amino acid conservation, physicochemical variation, residue mobility, and thermodynamic stability) performed at Invitae indicates that this missense variant is not expected to disrupt RAG1 protein function. In summary, the available evidence is currently insufficient to determine the role of this variant in disease. Therefore, it has been classified as a Variant of Uncertain Significance.

Breakthrough Genomics
Classification: Uncertain significance. Review status: criteria provided, single submitter. Criteria: ACMG Guidelines, 2015. Collection method: not provided. Allele origin: germline. Inheritance: Autosomal recessive inheritance. Affected: yes.